The following is an entry in ClinVar:

NM_005909.5(MAP1B):c.1155C>T (p.Leu385=)

Gene: MAP1B (microtubule associated protein 1B; plus strand). Cytogenetic location: 5q13.2.
Variant type: single nucleotide variant.
Coding change: c.1155C>T on transcript NM_005909.5 (MANE Select); coding-DNA position 1155, C replaced by T.
Protein change: p.Leu385=; no amino-acid change (leucine 385 retained).
Molecular consequence: synonymous variant.
Genome position (GRCh38, 1-based): chr5:72,194,510, C>T. VCF-style: chr5-72194510-C-T. GRCh37 (hg19) VCF-style: chr5-71490337-C-T.
Other names: c.777C>T, p.Leu259= (NM_001324255.2).
Identifiers: ClinVar variation 4822606 (VCV004822606.4).

ClinVar aggregate classification (germline): Likely benign (1 of 4 stars; one submission).

gnomAD v4.1: 36 of 1,614,134 alleles (0.0022%); highest among the groups gnomAD compares: South Asian, 0.036%; 2 homozygotes.

Submission:

CeGaT Center for Human Genetics Tuebingen
Classification: Likely benign. Last evaluated: 2026-01-01. Review status: criteria provided, single submitter. Criteria: CeGaT Center For Human Genetics Tuebingen Variant Classification Criteria Version 2. Collection method: clinical testing. Allele origin: germline. Affected: yes. Observed: 1 variant allele.
Comment: MAP1B: BP4